The following is an entry in ClinVar:

ClinVar aggregate classification (germline): Uncertain significance (1 of 4 stars; one submission).

gnomAD v4.1: 72 of 1,599,790 alleles (0.0045%); highest among the groups gnomAD compares: Non-Finnish European, 0.0059%; no homozygotes.

Submission:

GeneDx
Classification: Uncertain significance. Last evaluated: 2026-03-29. Review status: criteria provided, single submitter. Criteria: GeneDx Variant Classification Process June 2021. Collection method: clinical testing. Allele origin: germline.
Comment: In silico analysis suggests that this missense variant does not alter protein structure/function; Has not been previously published as pathogenic or benign to our knowledge

NM_002645.4(PIK3C2A):c.4060G>A (p.Val1354Ile)

Gene: PIK3C2A (phosphatidylinositol-4-phosphate 3-kinase catalytic subunit type 2 alpha; minus strand). Cytogenetic location: 11p15.1.
Variant type: single nucleotide variant.
Coding change: c.4060G>A on transcript NM_002645.4 (MANE Select); coding-DNA position 4060, G replaced by A.
Protein change: p.Val1354Ile; replaces valine 1354 with isoleucine.
Molecular consequence: missense variant.
Genome position (GRCh38, 1-based): chr11:17,099,918, C>T on the plus strand (G>A on the coding strand, the complement: PIK3C2A is on the minus strand). VCF-style: chr11-17099918-C-T. GRCh37 (hg19) VCF-style: chr11-17121465-C-T.
Other names: c.4060G>A, p.Val1354Ile (NM_001321378.2); c.2920G>A, p.Val974Ile (NM_001321380.2); c.3892G>A, p.Val1298Ile (NM_001386870.1); short protein forms V1298I, V1354I, V974I.
Identifiers: ClinVar variation 5017825 (VCV005017825.1).